The following is an entry in ClinVar:

NM_000069.3(CACNA1S):c.3609C>T (p.Asp1203=)

Gene: CACNA1S (calcium voltage-gated channel subunit alpha1 S; minus strand). Cytogenetic location: 1q32.1.
Variant type: single nucleotide variant.
Coding change: c.3609C>T on transcript NM_000069.3 (MANE Select); coding-DNA position 3609, C replaced by T.
Protein change: p.Asp1203=; no amino-acid change (aspartic acid 1203 retained).
Molecular consequence: synonymous variant.
Genome position (GRCh38, 1-based): chr1:201,058,408, G>A on the plus strand (C>T on the coding strand, the complement: CACNA1S is on the minus strand). VCF-style: chr1-201058408-G-A. GRCh37 (hg19) VCF-style: chr1-201027536-G-A.
Identifiers: ClinVar variation 969104 (VCV000969104.8), dbSNP rs374324793, ClinGen allele CA082652.

ClinVar aggregate classification (germline): Conflicting classifications of pathogenicity. Review status: criteria provided, conflicting classifications (1 of 4 stars). 3 submissions from 3 submitters: Uncertain significance (1); Likely benign (2). Last evaluated 2026-02-25.

Conditions:
CACNA1S-related disorder. Also called: CACNA1S-related condition.
Hypokalemic periodic paralysis, type 1. Also called: HypoPP; Hypokalemic Periodic Paralysis Type 1 (AD). Identifiers: Orphanet 681, MedGen C3714580, MONDO:0042979, OMIM 170400.
Malignant hyperthermia, susceptibility to, 5 (MHS5). Also called: CACNA1S-Related Malignant Hyperthermia Susceptibility. Identifiers: Orphanet 423, MedGen C1866077, MONDO:0011163, OMIM 601887.

Allele frequency attached by ClinVar (database versions not stated): gnomAD exomes 0.00008; ExAC 0.00009; ESP Exome Variant Server 0.00015; TOPMed 0.00015; gnomAD 0.00017 and 0.00019; 1000 Genomes Project 30x 0.00078; 1000 Genomes Project 0.00080.

Submissions (3):

PreventionGenetics, part of Exact Sciences
Classification: Likely benign for CACNA1S-related condition. Last evaluated: 2026-02-25. Review status: criteria provided, single submitter. Criteria: ACMG Guidelines, 2015. Collection method: clinical testing. Allele origin: germline.
Comment: This variant is classified as likely benign based on ACMG/AMP sequence variant interpretation guidelines (Richards et al. 2015 PMID: 25741868, with internal and published modifications).

Labcorp Genetics (formerly Invitae), Labcorp
Classification: Uncertain significance for Hypokalemic periodic paralysis, type 1; Malignant hyperthermia, susceptibility to, 5. Last evaluated: 2026-01-13. Review status: criteria provided, single submitter. Criteria: Invitae Variant Classification Sherloc (09022015). Collection method: clinical testing. Allele origin: germline.
Comment: This sequence change affects codon 1203 of the CACNA1S mRNA. It is a 'silent' change, meaning that it does not change the encoded amino acid sequence of the CACNA1S protein. It affects a nucleotide within the consensus splice site. This variant is present in population databases (rs374324793, gnomAD 0.06%). This variant has not been reported in the literature in individuals affected with CACNA1S-related conditions. ClinVar contains an entry for this variant (Variation ID: 969104). Algorithms developed to predict the effect of sequence changes on RNA splicing suggest that this variant is not likely to affect RNA splicing. In summary, the available evidence is currently insufficient to determine the role of this variant in disease. Therefore, it has been classified as a Variant of Uncertain Significance.

Color Diagnostics, LLC DBA Color Health
Classification: Likely benign for Malignant hyperthermia, susceptibility to, 5. Last evaluated: 2022-11-06. Review status: criteria provided, single submitter. Criteria: ACMG Guidelines, 2015. Collection method: clinical testing. Allele origin: germline.